The following is an entry in ClinVar:

NM_003601.4(SMARCA5):c.988A>G (p.Thr330Ala)

Gene: SMARCA5 (SNF2 related chromatin remodeling ATPase 5; plus strand). Cytogenetic location: 4q31.21.
Variant type: single nucleotide variant.
Coding change: c.988A>G on transcript NM_003601.4 (MANE Select); coding-DNA position 988, A replaced by G.
Protein change: p.Thr330Ala; replaces threonine 330 with alanine.
Molecular consequence: missense variant.
Genome position (GRCh38, 1-based): chr4:143,528,613, A>G. VCF-style: chr4-143528613-A-G. GRCh37 (hg19) VCF-style: chr4-144449766-A-G.
Other names: short protein forms T330A.
Identifiers: ClinVar variation 3764462 (VCV003764462.2).

ClinVar aggregate classification (germline): Uncertain significance (1 of 4 stars; one submission).

gnomAD v4.1: 1 of 1,612,464 alleles (0.000062%); highest among the groups gnomAD compares: Non-Finnish European, 0.000085%; no homozygotes.

Submission:

GeneDx
Classification: Uncertain significance. Last evaluated: 2026-01-13. Review status: criteria provided, single submitter. Criteria: GeneDx Variant Classification Process June 2021. Collection method: clinical testing. Allele origin: germline.
Comment: Not observed at significant frequency in large population cohorts (gnomAD); In silico analysis suggests that this missense variant does not alter protein structure/function; Has not been previously published as pathogenic or benign to our knowledge